The following is an entry in ClinVar:

NM_003482.4(KMT2D):c.11016C>T (p.Phe3672=)

Gene: KMT2D (lysine methyltransferase 2D; minus strand). Cytogenetic location: 12q13.12.
Variant type: single nucleotide variant.
Coding change: c.11016C>T on transcript NM_003482.4 (MANE Select); coding-DNA position 11016, C replaced by T.
Protein change: p.Phe3672=; no amino-acid change (phenylalanine 3672 retained).
Molecular consequence: synonymous variant.
Genome position (GRCh38, 1-based): chr12:49,033,689, G>A on the plus strand (C>T on the coding strand, the complement: KMT2D is on the minus strand). VCF-style: chr12-49033689-G-A. GRCh37 (hg19) VCF-style: chr12-49427472-G-A.
Identifiers: ClinVar variation 2967667 (VCV002967667.4), dbSNP rs771550478, ClinGen allele CA6546384.

ClinVar aggregate classification (germline): Likely benign. Review status: criteria provided, multiple submitters, no conflicts (2 of 4 stars). 2 submissions from 2 submitters: Likely benign (2). Last evaluated 2025-10-20.

Conditions:
Kabuki syndrome. Also called: Kabuki make-up syndrome; NIIKAWA-KUROKI SYNDROME. Identifiers: Orphanet 2322, MedGen C0796004, MONDO:0016512.
KMT2D-related disorder. Also called: KMT2D-Related Disorders.

gnomAD v4.1: 11 of 1,613,712 alleles (0.00068%); highest among the groups gnomAD compares: Non-Finnish European, 0.00085%; no homozygotes.

Submissions (2):

PreventionGenetics, part of Exact Sciences
Classification: Likely benign for KMT2D-related condition. Last evaluated: 2025-10-20. Review status: criteria provided, single submitter. Criteria: ACMG Guidelines, 2015. Collection method: clinical testing. Allele origin: germline.
Comment: This variant is classified as likely benign based on ACMG/AMP sequence variant interpretation guidelines (Richards et al. 2015 PMID: 25741868, with internal and published modifications).

Labcorp Genetics (formerly Invitae), Labcorp
Classification: Likely benign for Kabuki syndrome. Last evaluated: 2024-01-06. Review status: criteria provided, single submitter. Criteria: Invitae Variant Classification Sherloc (09022015). Collection method: clinical testing. Allele origin: germline.